The following is an entry in ClinVar:

NM_080680.3(COL11A2):c.3609T>G (p.Val1203=)

Gene: COL11A2 (collagen type XI alpha 2 chain; minus strand). Cytogenetic location: 6p21.32.
Variant type: single nucleotide variant.
Coding change: c.3609T>G on transcript NM_080680.3 (MANE Select); coding-DNA position 3609, T replaced by G.
Protein change: p.Val1203=; no amino-acid change (valine 1203 retained).
Molecular consequence: synonymous variant.
Genome position (GRCh38, 1-based): chr6:33,170,074, A>C on the plus strand (T>G on the coding strand, the complement: COL11A2 is on the minus strand). VCF-style: chr6-33170074-A-C. GRCh37 (hg19) VCF-style: chr6-33137851-A-C.
Other names: c.3288T>G, p.Val1096= (NM_080679.3); c.3351T>G, p.Val1117= (NM_080681.3).
Identifiers: ClinVar variation 1204334 (VCV001204334.10), dbSNP rs768558233, ClinGen allele CA3750441.

ClinVar aggregate classification (germline): Conflicting classifications of pathogenicity. Review status: criteria provided, conflicting classifications (1 of 4 stars). 3 submissions from 3 submitters: Uncertain significance (1); Likely benign (1). 1 of the submissions does not count toward it. Last evaluated 2025-06-22.

Conditions:
COL11A2-related disorder. Also called: COL11A2-related condition; COL11A2-related disorders.

Allele frequency attached by ClinVar (database versions not stated): ExAC 0.00001; gnomAD 0.00001; gnomAD exomes 0.00001 and 0.00002; TOPMed 0.00003.

Submissions (3):

Labcorp Genetics (formerly Invitae), Labcorp
Classification: Likely benign. Last evaluated: 2025-06-22. Review status: criteria provided, single submitter. Criteria: Invitae Variant Classification Sherloc (09022015). Collection method: clinical testing. Allele origin: germline.

GeneDx
Classification: Uncertain significance. Last evaluated: 2019-06-07. Review status: criteria provided, single submitter. Criteria: GeneDx Variant Classification Process June 2021. Collection method: clinical testing. Allele origin: germline. Affected: yes.
Comment: In-silico analysis, which includes splice predictors and evolutionary conservation, is inconclusive as to whether the variant alters gene splicing. In the absence of RNA/functional studies, the actual effect of this sequence change is unknown.; Not observed at a significant frequency in large population cohorts (Lek et al., 2016); Has not been previously published as pathogenic or benign to our knowledge

PreventionGenetics, part of Exact Sciences
Classification: Likely benign for COL11A2-related condition. Last evaluated: 2024-04-18. Review status: no assertion criteria provided. Collection method: clinical testing. Allele origin: germline. Not counted in ClinVar's aggregate classification.
Comment: This variant is classified as likely benign based on ACMG/AMP sequence variant interpretation guidelines (Richards et al. 2015 PMID: 25741868, with internal and published modifications).